The following is an entry in ClinVar:

ClinVar aggregate classification (germline): Benign (1 of 4 stars; one submission).

Conditions:
Pheochromocytoma. Also called: MAX-Related Hereditary Paraganglioma-Pheochromocytoma Syndrome. Identifiers: Orphanet 29072, MedGen C0031511, MONDO:0008233, OMIM 171300, HP:0002666.

Submission:

Myriad Genetics, Inc.
Classification: Benign for Pheochromocytoma. Last evaluated: 2026-06-08. Review status: criteria provided, single submitter. Criteria: Myriad Autosomal Dominant, Autosomal Recessive and X-Linked Classification Criteria (2023). Collection method: clinical testing. Allele origin: unknown.
Comment: This variant is considered benign. This variant occurs in the non-coding 3' untranslated region of the gene, and is not expected to impact protein function.

NM_002382.5(MAX):c.*9G>C

Gene: MAX (MYC associated transcriptional regulator X; minus strand). Cytogenetic location: 14q23.3.
Variant type: single nucleotide variant.
Coding change: c.*9G>C on transcript NM_002382.5 (MANE Select); 9 bases downstream of the stop codon, G replaced by C.
Molecular consequence: 3 prime UTR variant. On other transcripts: non-coding transcript variant (7), intron variant (2).
Genome position (GRCh38, 1-based): chr14:65,076,467, C>G on the plus strand (G>C on the coding strand, the complement: MAX is on the minus strand). VCF-style: chr14-65076467-C-G. GRCh37 (hg19) VCF-style: chr14-65543185-C-G.
Other names: c.*9G>C (NM_001320415.2, NM_001407094.1, NM_001407095.1 and 7 more transcripts); c.*265G>C (NM_001407096.1, NM_001407099.1, NM_001407102.1 and 2 more transcripts); c.*281G>C (NM_001407097.1, NM_001407100.1, NM_001407101.1 and 4 more transcripts); c.144+17241G>C (NM_001271069.2); c.171+17241G>C (NM_197957.4).
Identifiers: ClinVar variation 4876057 (VCV004876057.1).